The following is an entry in ClinVar:

ClinVar aggregate classification (germline): Benign. Review status: criteria provided, single submitter (1 of 4 stars). 2 submissions from 2 submitters: Benign (1). 1 of the submissions does not count toward it. Last evaluated 2026-01-12.

Conditions:
ADCY3-related disorder. Also called: ADCY3-related condition.

Allele frequency attached by ClinVar (database versions not stated): ExAC 0.00038; 1000 Genomes Project 0.00120; 1000 Genomes Project 30x 0.00125; ESP Exome Variant Server 0.00161.
gnomAD v4.1: 338 of 1,614,072 alleles (0.021%); highest among the groups gnomAD compares: African/African-American, 0.38%; 2 homozygotes.

Submissions (2):

Labcorp Genetics (formerly Invitae), Labcorp
Classification: Benign. Last evaluated: 2026-01-12. Review status: criteria provided, single submitter. Criteria: Invitae Variant Classification Sherloc (09022015). Collection method: clinical testing. Allele origin: germline.

PreventionGenetics, part of Exact Sciences
Classification: Likely benign for ADCY3-related condition. Last evaluated: 2022-04-14. Review status: no assertion criteria provided. Collection method: clinical testing. Allele origin: germline. Not counted in ClinVar's aggregate classification.
Comment: This variant is classified as likely benign based on ACMG/AMP sequence variant interpretation guidelines (Richards et al. 2015 PMID: 25741868, with internal and published modifications).

NM_004036.5(ADCY3):c.2529G>A (p.Thr843=)

Gene: ADCY3 (adenylate cyclase 3; minus strand). Cytogenetic location: 2p23.3.
Variant type: single nucleotide variant.
Coding change: c.2529G>A on transcript NM_004036.5 (MANE Select); coding-DNA position 2529, G replaced by A.
Protein change: p.Thr843=; no amino-acid change (threonine 843 retained).
Molecular consequence: synonymous variant. On other transcripts: intron variant (1).
Genome position (GRCh38, 1-based): chr2:24,826,093, C>T on the plus strand (G>A on the coding strand, the complement: ADCY3 is on the minus strand). VCF-style: chr2-24826093-C-T. GRCh37 (hg19) VCF-style: chr2-25048962-C-T.
Other names: c.2532G>A, p.Thr844= (NM_001320613.2); c.2595G>A, p.Thr865= (NM_001377128.1); c.2391G>A, p.Thr797= (NM_001377129.1); c.1806G>A, p.Thr602= (NM_001377131.1); c.2529G>A, p.Thr843= (NM_001377132.1); c.2173-1557G>A (NM_001377130.1); c.2532G>A (NM_001320613.1).
Identifiers: ClinVar variation 1599461 (VCV001599461.10), dbSNP rs148560577, ClinGen allele CA1553711.